The following is an entry in ClinVar:

ClinVar aggregate classification (germline): Likely benign. Review status: criteria provided, single submitter (1 of 4 stars). 2 submissions from 2 submitters: Likely benign (1). 1 of the submissions does not count toward it. Last evaluated 2025-06-12.

Conditions:
PDSS2-related disorder. Also called: PDSS2-related condition.

Allele frequency attached by ClinVar (database versions not stated): gnomAD exomes below 0.00001 and 0.00002; ExAC 0.00005; gnomAD 0.00011 and 0.00013; TOPMed 0.00016; ESP Exome Variant Server 0.00023.
gnomAD v4.1: 24 of 1,614,000 alleles (0.0015%); highest among the groups gnomAD compares: African/African-American, 0.032%; no homozygotes.

Submissions (2):

Labcorp Genetics (formerly Invitae), Labcorp
Classification: Likely benign. Last evaluated: 2025-06-12. Review status: criteria provided, single submitter. Criteria: Invitae Variant Classification Sherloc (09022015). Collection method: clinical testing. Allele origin: germline.

PreventionGenetics, part of Exact Sciences
Classification: Likely benign for PDSS2-related condition. Last evaluated: 2020-09-23. Review status: no assertion criteria provided. Collection method: clinical testing. Allele origin: germline. Not counted in ClinVar's aggregate classification.
Comment: This variant is classified as likely benign based on ACMG/AMP sequence variant interpretation guidelines (Richards et al. 2015 PMID: 25741868, with internal and published modifications).

NM_020381.4(PDSS2):c.162A>G (p.Ser54=)

Gene: PDSS2 (decaprenyl diphosphate synthase subunit 2; minus strand). Cytogenetic location: 6q21.
Variant type: single nucleotide variant.
Coding change: c.162A>G on transcript NM_020381.4 (MANE Select); coding-DNA position 162, A replaced by G.
Protein change: p.Ser54=; no amino-acid change (serine 54 retained).
Molecular consequence: synonymous variant.
Genome position (GRCh38, 1-based): chr6:107,459,124, T>C on the plus strand (A>G on the coding strand, the complement: PDSS2 is on the minus strand). VCF-style: chr6-107459124-T-C. GRCh37 (hg19) VCF-style: chr6-107780328-T-C.
Other names: c.162A>G (NM_020381.3).
Identifiers: ClinVar variation 1592137 (VCV001592137.10), dbSNP rs142424178, ClinGen allele CA3946189.